The following is an entry in ClinVar:

ClinVar aggregate classification (germline): Uncertain significance. Review status: criteria provided, multiple submitters, no conflicts (2 of 4 stars). 2 submissions from 2 submitters: Uncertain significance (2). Last evaluated 2025-03-04.

Conditions:
Hereditary cancer-predisposing syndrome. Also called: Neoplastic Syndromes, Hereditary; Tumor predisposition; Hereditary neoplastic syndrome; Hereditary Cancer Syndrome. Identifiers: Orphanet 140162, MedGen C0027672, MeSH D009386, MONDO:0015356.

gnomAD v4.1: 2 of 1,613,056 alleles (0.00012%); highest among the groups gnomAD compares: Non-Finnish European, 0.00017%; no homozygotes.

Submissions (2):

Color Diagnostics, LLC DBA Color Health
Classification: Uncertain significance for Hereditary cancer-predisposing syndrome. Last evaluated: 2025-03-04. Review status: criteria provided, single submitter. Criteria: ACMG Guidelines, 2015. Collection method: clinical testing. Allele origin: germline.
Comment: This variant is located in the 5' untranslated region of the SMAD4 gene. To our knowledge, RNA functional studies have not been reported for this variant. This variant has not been reported in individuals affected with SMAD4-related disorders in the literature. This variant has not been identified in the general population by the Genome Aggregation Database (gnomAD). The available evidence is insufficient to determine the role of this variant in disease conclusively. Therefore, this variant is classified as a Variant of Uncertain Significance.

Blueprint Genetics
Classification: Uncertain significance. Last evaluated: 2023-04-04. Review status: criteria provided, single submitter. Criteria: ACMG Guidelines, 2015. Collection method: clinical testing. Allele origin: germline.

NM_005359.6(SMAD4):c.-10A>T

Gene: SMAD4 (SMAD family member 4; plus strand). Cytogenetic location: 18q21.2.
Variant type: single nucleotide variant.
Coding change: c.-10A>T on transcript NM_005359.6 (MANE Select); 10 bases upstream of the start codon, A replaced by T.
Molecular consequence: 5 prime UTR variant. On other transcripts: non-coding transcript variant (2).
Genome position (GRCh38, 1-based): chr18:51,047,037, A>T. VCF-style: chr18-51047037-A-T. GRCh37 (hg19) VCF-style: chr18-48573407-A-T.
Other names: c.-10A>T (NM_001407041.1, NM_001407042.1, NM_001407043.1).
Identifiers: ClinVar variation 2774517 (VCV002774517.3), dbSNP rs768803926, ClinGen allele CA2641836329.